The following is an entry in ClinVar:

ClinVar aggregate classification (germline): Conflicting classifications of pathogenicity. Review status: criteria provided, conflicting classifications (1 of 4 stars). 6 submissions from 6 submitters: Uncertain significance (1); Benign (1); Likely benign (3). 1 of the submissions does not count toward it. Last evaluated 2026-04-01.

Conditions:
Inborn genetic diseases. Identifiers: MedGen C0950123, MeSH D030342.
Ornithine carbamoyltransferase deficiency (OTCD). Also called: Ornithine Carbamoyltransferase Deficiency Disease; ORNITHINE TRANSCARBAMYLASE DEFICIENCY; OTC DEFICIENCY; ORNITHINE TRANSCARBAMYLASE DEFICIENCY, HYPERAMMONEMIA DUE TO. Identifiers: Orphanet 664, MedGen C0268542, MONDO:0010703, OMIM 311250.

Allele frequency attached by ClinVar (database versions not stated): gnomAD exomes 0.00002 and 0.00009; gnomAD 0.00004; TOPMed 0.00007; ExAC 0.00008.
gnomAD v4.1: 31 of 1,204,298 alleles (0.0026%); highest among the groups gnomAD compares: Admixed American, 0.046%; no homozygotes.

Submissions (6):

CeGaT Center for Human Genetics Tuebingen
Classification: Likely benign. Last evaluated: 2026-04-01. Review status: criteria provided, single submitter. Criteria: CeGaT Center For Human Genetics Tuebingen Variant Classification Criteria Version 2. Collection method: clinical testing. Allele origin: germline. Affected: yes. Observed: 3 variant alleles.
Comment: OTC: BS2

Labcorp Genetics (formerly Invitae), Labcorp
Classification: Benign for Ornithine carbamoyltransferase deficiency. Last evaluated: 2026-01-12. Review status: criteria provided, single submitter. Criteria: Invitae Variant Classification Sherloc (09022015). Collection method: clinical testing. Allele origin: germline.

Ambry Genetics
Classification: Likely benign for Inborn genetic diseases. Last evaluated: 2022-06-28. Review status: criteria provided, single submitter. Criteria: Ambry Variant Classification Scheme 2023. Collection method: clinical testing. Allele origin: germline.

Color Diagnostics, LLC DBA Color Health
Classification: Likely benign for Ornithine carbamoyltransferase deficiency. Last evaluated: 2022-04-28. Review status: criteria provided, single submitter. Criteria: ACMG Guidelines, 2015. Collection method: clinical testing. Allele origin: germline.

Broad Center for Mendelian Genomics, Broad Institute of MIT and Harvard
Classification: Uncertain significance. Last evaluated: 2020-01-22. Review status: criteria provided, single submitter. Criteria: ACMG Guidelines, 2015. Collection method: curation. Allele origin: germline.
Comment: The p.Gln29Glu variant in OTC has not been previously reported in individuals with Ornithine transcarbamylase deficiency but has been identified in 0.05124% (14/27320) of Latino chromosomes, including 3 hemizygotes, and 0.001232% (1/81172) of European (non-Finnish) chromosomes, including 1 hemizygote, by the Genome Aggregation Database (gnomAD; dbSNP rs752916728). Computational prediction tools and conservation analyses do not provide strong support for or against an impact to the protein. In summary, while the clinical significance of the p.Gln29Glu variant is uncertain, these data suggest that it is more likely to be benign. ACMG/AMP Criteria applied: BS1 (Richards 2015).

Natera, Inc.
Classification: Likely benign for Ornithine transcarbamylase deficiency. Last evaluated: 2021-08-18. Review status: no assertion criteria provided. Collection method: clinical testing. Allele origin: germline. Not counted in ClinVar's aggregate classification.

NM_000531.6(OTC):c.85C>G (p.Gln29Glu)

Gene: OTC (ornithine transcarbamylase; plus strand). Cytogenetic location: Xp11.4.
Variant type: single nucleotide variant.
Coding change: c.85C>G on transcript NM_000531.6 (MANE Select); coding-DNA position 85, C replaced by G.
Protein change: p.Gln29Glu; replaces glutamine 29 with glutamic acid.
Molecular consequence: missense variant.
Genome position (GRCh38, 1-based): chrX:38,367,298, C>G. VCF-style: chrX-38367298-C-G. GRCh37 (hg19) VCF-style: chrX-38226551-C-G.
Other names: c.85C>G (NM_000531.5); short protein forms Q29E.
Identifiers: ClinVar variation 972786 (VCV000972786.29), dbSNP rs752916728, ClinGen allele CA10385786.
Genomic context (GRCh38, chrX:38,367,298, plus strand): 5'-ACATGGGTCTTTTCTGAAATACATATTTCTCCCTTTTAAATCTCTTTTTACAGGTGTGGA[C>G]AACCACTACAAAATAAAGTGCAGCTGAAGGGCCGTGACCTTCTCACTCTAAAAAACTTTA-3'
Protein context (NP_000522.3, residues 19-39): NFMVRNFRCG[Gln29Glu]PLQNKVQLKG